The following is an entry in ClinVar:

NM_001128840.3(CACNA1D):c.6108C>A (p.Phe2036Leu)

Gene: CACNA1D (calcium voltage-gated channel subunit alpha1 D; plus strand). Cytogenetic location: 3p21.1.
Variant type: single nucleotide variant.
Coding change: c.6108C>A on transcript NM_001128840.3 (MANE Select); coding-DNA position 6108, C replaced by A.
Protein change: p.Phe2036Leu; replaces phenylalanine 2036 with leucine.
Molecular consequence: missense variant.
Genome position (GRCh38, 1-based): chr3:53,810,214, C>A. VCF-style: chr3-53810214-C-A. GRCh37 (hg19) VCF-style: chr3-53844241-C-A.
Other names: c.6168C>A, p.Phe2056Leu (NM_000720.4); c.6036C>A, p.Phe2012Leu (NM_001128839.3); short protein forms F2056L, F2012L, F2036L.
Identifiers: ClinVar variation 3630402 (VCV003630402.2).

ClinVar aggregate classification (germline): Uncertain significance (1 of 4 stars; one submission).

gnomAD v4.1: 1 of 1,614,008 alleles (0.000062%); highest among the groups gnomAD compares: South Asian, 0.0011%; no homozygotes.

Submission:

Labcorp Genetics (formerly Invitae), Labcorp
Classification: Uncertain significance. Last evaluated: 2024-11-27. Review status: criteria provided, single submitter. Criteria: Invitae Variant Classification Sherloc (09022015). Collection method: clinical testing. Allele origin: germline.
Comment: This sequence change replaces phenylalanine, which is neutral and non-polar, with leucine, which is neutral and non-polar, at codon 2056 of the CACNA1D protein (p.Phe2056Leu). This variant is present in population databases (rs772536226, gnomAD 0.003%). This variant has not been reported in the literature in individuals affected with CACNA1D-related conditions. An algorithm developed to predict the effect of missense changes on protein structure and function (PolyPhen-2) suggests that this variant is likely to be tolerated. In summary, the available evidence is currently insufficient to determine the role of this variant in disease. Therefore, it has been classified as a Variant of Uncertain Significance.